The following is an entry in ClinVar:

NM_000123.4(ERCC5):c.3364C>T (p.Pro1122Ser)

Genes: BIVM-ERCC5 (BIVM-ERCC5 readthrough; plus strand), ERCC5 (ERCC excision repair 5, endonuclease; plus strand). Cytogenetic location: 13q33.1.
Variant type: single nucleotide variant.
Coding change: c.3364C>T on transcript NM_000123.4 (MANE Select); coding-DNA position 3364, C replaced by T.
Protein change: p.Pro1122Ser; replaces proline 1122 with serine.
Molecular consequence: missense variant.
Genome position (GRCh38, 1-based): chr13:102,875,706, C>T. VCF-style: chr13-102875706-C-T. GRCh37 (hg19) VCF-style: chr13-103528056-C-T.
Other names: c.4726C>T, p.Pro1576Ser (NM_001204425.2); short protein forms P1122S, P1576S.
Identifiers: ClinVar variation 1692192 (VCV001692192.2), dbSNP rs765714657, ClinGen allele CA7041882.
Genomic context (GRCh38, chr13:102,875,706, plus strand): 5'-AGTGAAGATGCTGAAAGTTCATCTTTAATGAATGTACAAAGGAGAACAGCTGCGAAAGAG[C>T]CAAAAACCAGTGCTTCAGATTCGCAGAACTCAGTGAAGGAAGCTCCCGTGAAGAATGGAG-3'
Protein context (NP_000114.3, residues 1112-1132): NVQRRTAAKE[Pro1122Ser]KTSASDSQNS

ClinVar aggregate classification (germline): Uncertain significance. Review status: criteria provided, multiple submitters, no conflicts (2 of 4 stars). 2 submissions from 2 submitters: Uncertain significance (2). Last evaluated 2024-06-20.

Conditions:
Hereditary cancer-predisposing syndrome. Also called: Neoplastic Syndromes, Hereditary; Hereditary Cancer Syndrome; Tumor predisposition; Hereditary neoplastic syndrome. Identifiers: Orphanet 140162, MedGen C0027672, MeSH D009386, MONDO:0015356.
Cerebrooculofacioskeletal syndrome 3 (COFS3). Identifiers: MedGen C1851443, MONDO:0014696, OMIM 616570.
Xeroderma pigmentosum, group G (XPG). Also called: ERCC5-Related Xeroderma Pigmentosum; XERODERMA PIGMENTOSUM VII; XP, GROUP G; Xeroderma pigmentosum type 7. Identifiers: MedGen C0268141, MONDO:0010216, OMIM 278780.

Allele frequency attached by ClinVar (database versions not stated): ExAC 0.00001; gnomAD exomes 0.00001.
gnomAD v4.1: 4 of 1,613,966 alleles (0.00025%); highest among the groups gnomAD compares: East Asian, 0.0089%; no homozygotes.

Submissions (2):

Fulgent Genetics
Classification: Uncertain significance for Xeroderma pigmentosum, group G; Cerebrooculofacioskeletal syndrome 3. Last evaluated: 2024-06-20. Review status: criteria provided, single submitter. Criteria: ACMG Guidelines, 2015. Collection method: clinical testing. Allele origin: germline.

Sema4
Classification: Uncertain significance for Hereditary cancer-predisposing syndrome. Last evaluated: 2021-07-29. Review status: criteria provided, single submitter. Criteria: Sema4 Curation Guidelines. Collection method: curation. Allele origin: germline.
Comment: The ERCC5 c.3364C>T (p.P1122S) variant has not been reported in the literature to our knowledge. This variant was observed in 4/19920 chromosomes in the East Asian population, according to the Genome Aggregation Database (PMID: 32461654). This variant has not been reported in ClinVar. In silico tools suggest the impact of the variant on protein function is benign, though these predictions have not been confirmed by functional studies. The overall evidence is insufficient to meet ACMG/AMP criteria for classifying it as benign or pathogenic. In summary, the clinical significance of this variant is currently uncertain.